The following is an entry in ClinVar:

NM_002972.4(SBF1):c.518C>T (p.Thr173Met)

Gene: SBF1 (SET binding factor 1; minus strand). Cytogenetic location: 22q13.33.
Variant type: single nucleotide variant.
Coding change: c.518C>T on transcript NM_002972.4 (MANE Select); coding-DNA position 518, C replaced by T.
Protein change: p.Thr173Met; replaces threonine 173 with methionine.
Molecular consequence: missense variant.
Genome position (GRCh38, 1-based): chr22:50,467,369, G>A on the plus strand (C>T on the coding strand, the complement: SBF1 is on the minus strand). VCF-style: chr22-50467369-G-A. GRCh37 (hg19) VCF-style: chr22-50905798-G-A.
Other names: c.518C>T (NM_002972.2); c.521C>T, p.Thr174Met (NM_001365819.1, NM_001410794.1); c.518C>T, p.Thr173Met (NM_001410795.1, NM_197971.1); short protein forms T173M, T174M.
Identifiers: ClinVar variation 1924547 (VCV001924547.6), dbSNP rs1046180703, ClinGen allele CA325535811.

ClinVar aggregate classification (germline): Uncertain significance. Review status: criteria provided, multiple submitters, no conflicts (2 of 4 stars). 2 submissions from 2 submitters: Uncertain significance (2). Last evaluated 2023-12-22.

Allele frequency attached by ClinVar (database versions not stated): gnomAD exomes below 0.00001; gnomAD 0.00002; TOPMed 0.00005.
gnomAD v4.1: 10 of 1,614,016 alleles (0.00062%); highest among the groups gnomAD compares: Admixed American, 0.01%; no homozygotes.

Submissions (2):

Ambry Genetics
Classification: Uncertain significance. Last evaluated: 2023-12-22. Review status: criteria provided, single submitter. Criteria: Ambry Variant Classification Scheme 2023. Collection method: clinical testing. Allele origin: germline.

Labcorp Genetics (formerly Invitae), Labcorp
Classification: Uncertain significance. Last evaluated: 2022-04-12. Review status: criteria provided, single submitter. Criteria: Invitae Variant Classification Sherloc (09022015). Collection method: clinical testing. Allele origin: germline.
Comment: In summary, the available evidence is currently insufficient to determine the role of this variant in disease. Therefore, it has been classified as a Variant of Uncertain Significance. Algorithms developed to predict the effect of missense changes on protein structure and function are either unavailable or do not agree on the potential impact of this missense change (SIFT: "Deleterious"; PolyPhen-2: "Probably Damaging"; Align-GVGD: "Class C0"). This variant has not been reported in the literature in individuals affected with SBF1-related conditions. This variant is present in population databases (no rsID available, gnomAD 0.003%). This sequence change replaces threonine, which is neutral and polar, with methionine, which is neutral and non-polar, at codon 173 of the SBF1 protein (p.Thr173Met).